The following is an entry in ClinVar:

ClinVar aggregate classification (germline): Uncertain significance (1 of 4 stars; one submission).

Allele frequency attached by ClinVar (database versions not stated): gnomAD exomes 0.00001.

Submission:

Labcorp Genetics (formerly Invitae), Labcorp
Classification: Uncertain significance. Last evaluated: 2023-07-07. Review status: criteria provided, single submitter. Criteria: Invitae Variant Classification Sherloc (09022015). Collection method: clinical testing. Allele origin: germline.
Comment: Algorithms developed to predict the effect of missense changes on protein structure and function output the following: SIFT: "Not Available"; PolyPhen-2: "Benign"; Align-GVGD: "Not Available". The proline amino acid residue is found in multiple mammalian species, which suggests that this missense change does not adversely affect protein function. This variant has not been reported in the literature in individuals affected with PCLO-related conditions. This variant is not present in population databases (gnomAD no frequency). This sequence change replaces serine, which is neutral and polar, with proline, which is neutral and non-polar, at codon 531 of the PCLO protein (p.Ser531Pro). In summary, the available evidence is currently insufficient to determine the role of this variant in disease. Therefore, it has been classified as a Variant of Uncertain Significance.

NM_033026.6(PCLO):c.1591T>C (p.Ser531Pro)

Gene: PCLO (piccolo presynaptic cytomatrix protein; minus strand). Cytogenetic location: 7q21.11.
Variant type: single nucleotide variant.
Coding change: c.1591T>C on transcript NM_033026.6 (MANE Select); coding-DNA position 1591, T replaced by C.
Protein change: p.Ser531Pro; replaces serine 531 with proline.
Molecular consequence: missense variant.
Genome position (GRCh38, 1-based): chr7:83,155,050, A>G on the plus strand (T>C on the coding strand, the complement: PCLO is on the minus strand). VCF-style: chr7-83155050-A-G. GRCh37 (hg19) VCF-style: chr7-82784366-A-G.
Other names: c.1591T>C, p.Ser531Pro (NM_014510.3); short protein forms S531P.
Identifiers: ClinVar variation 2900253 (VCV002900253.2), dbSNP rs112239934, ClinGen allele CA161190826.